The following is an entry in ClinVar:

ClinVar aggregate classification (germline): Uncertain significance (1 of 4 stars; one submission).

Conditions:
Congenital diarrhea 7 with exudative enteropathy. Also called: Diarrhea 7. Identifiers: Orphanet 329242, MedGen C4014516, MONDO:0014375, OMIM 615863.

Submission:

Neuberg Centre For Genomic Medicine, NCGM
Classification: Uncertain significance for Congenital diarrhea 7 with exudative enteropathy. Review status: criteria provided, single submitter. Criteria: ACMG Guidelines, 2015. Collection method: clinical testing. Allele origin: germline. Affected: yes.
Comment: The missense variant p.H201R in DGAT1 (NM_012079.6) has not been reported previously as a pathogenic variant nor as a benign variant, to our knowledge. The p.H201R variant is novel (not in any individuals) in gnomAD Exomes and is novel (not in any individuals) in 1000 Genomes. In silico tools are contradictory in their predictions (SIFT-damaging, Polhen-Tolerated) and the residue is conserved across species. For these reasons, this variant has been classified as Uncertain Significance

NM_012079.6(DGAT1):c.602A>G (p.His201Arg)

Gene: DGAT1 (diacylglycerol O-acyltransferase 1; minus strand). Cytogenetic location: 8q24.3.
Variant type: single nucleotide variant.
Coding change: c.602A>G on transcript NM_012079.6 (MANE Select); coding-DNA position 602, A replaced by G.
Protein change: p.His201Arg; replaces histidine 201 with arginine.
Molecular consequence: missense variant.
Genome position (GRCh38, 1-based): chr8:144,318,335, T>C on the plus strand (A>G on the coding strand, the complement: DGAT1 is on the minus strand). VCF-style: chr8-144318335-T-C. GRCh37 (hg19) VCF-style: chr8-145541998-T-C.
Other names: short protein forms H201R.
Identifiers: ClinVar variation 1339043 (VCV001339043.2), dbSNP rs2130520497, ClinGen allele CA372612249.